The following is an entry in ClinVar:

ClinVar aggregate classification (germline): Uncertain significance (1 of 4 stars; one submission).

Conditions:
DICER1-related tumor predisposition. Also called: DICER1 syndrome; DICER1-related pleuropulmonary blastoma cancer predisposition syndrome. Identifiers: Orphanet 284343, MedGen C3839822, MONDO:0100216.

Allele frequency attached by ClinVar (database versions not stated): gnomAD exomes below 0.00001.
gnomAD v4.1: 1 of 1,614,196 alleles (0.000062%); highest among the groups gnomAD compares: Non-Finnish European, 0.000085%; no homozygotes.

Submission:

Labcorp Genetics (formerly Invitae), Labcorp
Classification: Uncertain significance for DICER1-related tumor predisposition. Last evaluated: 2022-07-06. Review status: criteria provided, single submitter. Criteria: Invitae Variant Classification Sherloc (09022015). Collection method: clinical testing. Allele origin: germline.
Comment: This sequence change replaces serine, which is neutral and polar, with threonine, which is neutral and polar, at codon 1304 of the DICER1 protein (p.Ser1304Thr). This variant is not present in population databases (gnomAD no frequency). This variant has not been reported in the literature in individuals affected with DICER1-related conditions. In summary, the available evidence is currently insufficient to determine the role of this variant in disease. Therefore, it has been classified as a Variant of Uncertain Significance. Algorithms developed to predict the effect of missense changes on protein structure and function (SIFT, PolyPhen-2, Align-GVGD) all suggest that this variant is likely to be disruptive. ClinVar contains an entry for this variant (Variation ID: 1518402).

NM_177438.3(DICER1):c.3910T>A (p.Ser1304Thr)

Gene: DICER1 (dicer 1, ribonuclease III; minus strand). Cytogenetic location: 14q32.13.
Variant type: single nucleotide variant.
Coding change: c.3910T>A on transcript NM_177438.3 (MANE Select); coding-DNA position 3910, T replaced by A.
Protein change: p.Ser1304Thr; replaces serine 1304 with threonine.
Molecular consequence: missense variant.
Genome position (GRCh38, 1-based): chr14:95,103,486, A>T on the plus strand (T>A on the coding strand, the complement: DICER1 is on the minus strand). VCF-style: chr14-95103486-A-T. GRCh37 (hg19) VCF-style: chr14-95569823-A-T.
Other names: c.3910T>A, p.Ser1304Thr (NM_001195573.1, NM_001271282.3, NM_001291628.2 and 1 more transcripts); short protein forms S1304T.
Identifiers: ClinVar variation 1518402 (VCV001518402.9), dbSNP rs2139956489, ClinGen allele CA390873194.
Genomic context (GRCh38, chr14:95,103,486, plus strand): 5'-TTAAAAAGGAGTCGCCAAGCATTTCAAGCCGCTCCAGGTTAAATCCATCACTAGCGTTTG[A>T]CAGAGTCAAAGCCTGAAGAATAAGTCCAGGATTGGGGCCAAGAGTCCTTGAGGAGTACCC-3'
Protein context (NP_803187.1, residues 1294-1314): PGLILQALTL[Ser1304Thr]NASDGFNLER